The following is an entry in ClinVar:

NM_001002755.4(NFU1):c.546-249C>T

Gene: NFU1 (NFU1 iron-sulfur cluster scaffold; minus strand). Cytogenetic location: 2p13.3.
Variant type: single nucleotide variant.
Coding change: c.546-249C>T on transcript NM_001002755.4 (MANE Select); 249 bases into the intron before coding-DNA position 546, C replaced by T.
Molecular consequence: intron variant.
Genome position (GRCh38, 1-based): chr2:69,400,787, G>A on the plus strand (C>T on the coding strand, the complement: NFU1 is on the minus strand). VCF-style: chr2-69400787-G-A. GRCh37 (hg19) VCF-style: chr2-69627919-G-A.
Other names: c.474-249C>T (NM_015700.4, NM_001374284.1); c.123-249C>T (NM_001002756.2).
Identifiers: ClinVar variation 671562 (VCV000671562.1), dbSNP rs10190412, ClinGen allele CA11154528.

ClinVar aggregate classification (germline): Benign (1 of 4 stars; one submission).

Allele frequency attached by ClinVar (database versions not stated): 1000 Genomes Project 0.65216; gnomAD 0.65700 and 0.66394; 1000 Genomes Project 30x 0.65865; TOPMed 0.66256.
gnomAD v4.1: 99,678 of 151,778 alleles (66%); highest among the groups gnomAD compares: African/African-American, 86%; 34,042 homozygotes.

Submission:

GeneDx
Classification: Benign. Last evaluated: 2018-06-14. Review status: criteria provided, single submitter. Criteria: GeneDx Variant Classification (06012015). Collection method: clinical testing. Allele origin: germline. Affected: yes.
Comment: This variant is considered likely benign or benign based on one or more of the following criteria: it is a conservative change, it occurs at a poorly conserved position in the protein, it is predicted to be benign by multiple in silico algorithms, and/or has population frequency not consistent with disease.